The following is an entry in ClinVar:

NM_015335.5(MED13L):c.5800A>T (p.Met1934Leu)

Gene: MED13L (mediator complex subunit 13L; minus strand). Cytogenetic location: 12q24.21.
Variant type: single nucleotide variant.
Coding change: c.5800A>T on transcript NM_015335.5 (MANE Select); coding-DNA position 5800, A replaced by T.
Protein change: p.Met1934Leu; replaces methionine 1934 with leucine.
Molecular consequence: missense variant.
Genome position (GRCh38, 1-based): chr12:115,972,168, T>A on the plus strand (A>T on the coding strand, the complement: MED13L is on the minus strand). VCF-style: chr12-115972168-T-A. GRCh37 (hg19) VCF-style: chr12-116409973-T-A.
Other names: short protein forms M1934L.
Identifiers: ClinVar variation 4056617 (VCV004056617.1).

ClinVar aggregate classification (germline): Uncertain significance (1 of 4 stars; one submission).

Conditions:
Cardiac anomalies - developmental delay - facial dysmorphism syndrome (MRFACD). Also called: Impaired intellectual development and distinctive facial features with or without cardiac defects; MED13L Syndrome. Identifiers: Orphanet 369891, MedGen C5192431, MONDO:0014773, OMIM 616789.

Submission:

Laboratorio de Genetica e Diagnostico Molecular, Hospital Israelita Albert Einstein
Classification: Uncertain significance for Cardiac anomalies - developmental delay - facial dysmorphism syndrome. Last evaluated: 2024-01-15. Review status: criteria provided, single submitter. Criteria: ACMG Guidelines, 2015. Collection method: clinical testing. Allele origin: germline. Affected: yes.
Comment: ACMG classification criteria: PM2 moderate, PP2 supporting, BP4 supporting